The following is an entry in ClinVar:

NM_004531.5(MOCS2):c.*1544C>A

Gene: MOCS2 (molybdenum cofactor synthesis 2; minus strand). Cytogenetic location: 5q11.2.
Variant type: single nucleotide variant.
Coding change: c.*1544C>A on transcript NM_004531.5 (MANE Select); 1544 bases downstream of the stop codon, C replaced by A.
Molecular consequence: 3 prime UTR variant.
Genome position (GRCh38, 1-based): chr5:53,097,058, G>T on the plus strand (C>A on the coding strand, the complement: MOCS2 is on the minus strand). VCF-style: chr5-53097058-G-T. GRCh37 (hg19) VCF-style: chr5-52392888-G-T.
Other names: c.*2031C>A (NM_176806.4).
Identifiers: ClinVar variation 906215 (VCV000906215.5), dbSNP rs16880873, ClinGen allele CA118883294.

ClinVar aggregate classification (germline): Benign. Review status: criteria provided, multiple submitters, no conflicts (2 of 4 stars). 2 submissions from 2 submitters: Benign (2). Last evaluated 2018-01-12.

Conditions:
Sulfite oxidase deficiency due to molybdenum cofactor deficiency type B1 (MOCODB1). Also called: Molybdenum cofactor deficiency B; Molybdenum cofactor deficiency, complementation group B; MOLYBDENUM COFACTOR DEFICIENCY, TYPE B1; Sulfite oxidase deficiency due to molybdenum cofactor deficiency type B. Identifiers: Orphanet 308393, Orphanet 833, MedGen C6065887, MONDO:0009644, OMIM 252160.

Allele frequency attached by ClinVar (database versions not stated): 1000 Genomes Project 30x 0.10634; TOPMed 0.11887; gnomAD exomes 0.06977; 1000 Genomes Project 0.10603.
gnomAD v4.1: 17,269 of 152,286 alleles (11%); highest among the groups gnomAD compares: African/African-American, 19%; 1,218 homozygotes.

Submissions (2):

Illumina Laboratory Services, Illumina
Classification: Benign for Sulfite oxidase deficiency due to molybdenum cofactor deficiency type B1. Last evaluated: 2018-01-12. Review status: criteria provided, single submitter. Criteria: ICSL Variant Classification Criteria 13 December 2019. Collection method: clinical testing. Allele origin: germline.
Comment: This variant was observed in the ICSL laboratory as part of a predisposition screen in an ostensibly healthy population. It had not been previously curated by ICSL or reported in the Human Gene Mutation Database (HGMD: prior to June 1st, 2018), and was therefore a candidate for classification through an automated scoring system. Utilizing variant allele frequency, disease prevalence and penetrance estimates, and inheritance mode, an automated score was calculated to assess if this variant is too frequent to cause the disease. Based on the score and internal cut-off values, a variant classified as benign is not then subjected to further curation. The score for this variant resulted in a classification of benign for this disease.

Breakthrough Genomics
Classification: Benign. Review status: criteria provided, single submitter. Criteria: ACMG Guidelines, 2015. Collection method: not provided. Allele origin: germline. Inheritance: Autosomal recessive inheritance. Affected: yes.